The following is an entry in ClinVar:

NM_001267550.2(TTN):c.97588dup (p.Gln32530fs)

Genes: TTN (titin; minus strand), TTN-AS1 (TTN antisense RNA 1; plus strand). Cytogenetic location: 2q31.2.
Variant type: Duplication.
Coding change: c.97588dup on transcript NM_001267550.2 (MANE Select); coding-DNA position 97588, one base duplicated (C; older notation c.97588dupC).
Protein change: p.Gln32530fs; shifts the reading frame from glutamine 32530.
Molecular consequence: frameshift variant.
Genome position (GRCh38, 1-based): chr2:178,541,489, G duplicated on the plus strand (C on the coding strand, the reverse complement: TTN is on the minus strand); the first of 3 consecutive G bases (chr2:178,541,489-178,541,491); duplicating any one gives the same sequence. VCF-style (leftmost placement, unchanged base first): chr2-178541488-T-TG. GRCh37 (hg19) VCF-style: chr2-179406215-T-TG.
Other names: c.92665dup, p.Gln30889fs (NM_001256850.1); c.70393dup, p.Gln23465fs (NM_003319.4); c.89884dup, p.Gln29962fs (NM_133378.4); c.70768dup, p.Gln23590fs (NM_133432.3); c.70969dup, p.Gln23657fs (NM_133437.4); short protein forms Q29962fs, Q23590fs, Q23657fs, Q32530fs, Q23465fs, Q30889fs.
Identifiers: ClinVar variation 1507304 (VCV001507304.20), dbSNP rs2154141656, ClinGen allele CA2573134066.

ClinVar aggregate classification (germline): Likely pathogenic. Review status: criteria provided, multiple submitters, no conflicts (2 of 4 stars). 2 submissions from 2 submitters: Likely pathogenic (2). Last evaluated 2024-11-01.

Conditions:
Dilated cardiomyopathy 1G (CMD1G). Identifiers: Orphanet 154, MedGen C1858763, MONDO:0011400, OMIM 604145.
Autosomal recessive limb-girdle muscular dystrophy type 2J (LGMDR10). Also called: MUSCULAR DYSTROPHY, LIMB-GIRDLE, AUTOSOMAL RECESSIVE 10; Limb-girdle muscular dystrophy, type 2J. Identifiers: Orphanet 140922, MedGen C1837342, MONDO:0012127, OMIM 608807.

Submissions (2):

CeGaT Center for Human Genetics Tuebingen
Classification: Likely pathogenic. Last evaluated: 2024-11-01. Review status: criteria provided, single submitter. Criteria: CeGaT Center For Human Genetics Tuebingen Variant Classification Criteria Version 2. Collection method: clinical testing. Allele origin: germline. Affected: yes. Observed: 1 variant allele.
Comment: TTN: PVS1:Strong, PM2

Labcorp Genetics (formerly Invitae), Labcorp
Classification: Likely pathogenic for Dilated cardiomyopathy 1G; Autosomal recessive limb-girdle muscular dystrophy type 2J. Last evaluated: 2021-07-08. Review status: criteria provided, single submitter. Criteria: Invitae Variant Classification Sherloc (09022015). Collection method: clinical testing. Allele origin: germline.
Comment: This sequence change creates a premature translational stop signal (p.Gln32530Profs*22) in the TTN gene. While this is not anticipated to result in nonsense mediated decay, it is expected to create a truncated TTN protein. This variant is not present in population databases (ExAC no frequency). This variant has not been reported in the literature in individuals affected with TTN-related conditions. This variant is located in the A band of TTN (PMID: 25589632). Truncating variants in this region are significantly overrepresented in patients affected with dilated cardiomyopathy (PMID: 25589632). Truncating variants in this region have also been reported in individuals affected with autosomal recessive centronuclear myopathy (PMID: 23975875). In summary, the currently available evidence indicates that the variant is pathogenic, but additional data are needed to prove that conclusively. Therefore, this variant has been classified as Likely Pathogenic.

Literature cited by the submitters: PubMed 25589632 (cited by Labcorp Genetics (formerly Invitae), Labcorp); PubMed 23975875 (cited by Labcorp Genetics (formerly Invitae), Labcorp).